The following is an entry in ClinVar:

NM_001378452.1(ITPR1):c.7528G>A (p.Gly2510Arg)

Gene: ITPR1 (inositol 1,4,5-trisphosphate receptor type 1; plus strand). Cytogenetic location: 3p26.1.
Variant type: single nucleotide variant.
Coding change: c.7528G>A on transcript NM_001378452.1 (MANE Select); coding-DNA position 7528, G replaced by A.
Protein change: p.Gly2510Arg; replaces glycine 2510 with arginine.
Molecular consequence: missense variant.
Genome position (GRCh38, 1-based): chr3:4,813,201, G>A. VCF-style: chr3-4813201-G-A. GRCh37 (hg19) VCF-style: chr3-4854885-G-A.
Other names: c.7384G>A, p.Gly2462Arg (NM_001099952.4); c.7483G>A, p.Gly2495Arg (NM_001168272.2); c.7339G>A, p.Gly2447Arg (NM_002222.7); c.7339G>A (NM_002222.5); short protein forms G2495R, G2447R, G2462R, G2510R.
Identifiers: ClinVar variation 447599 (VCV000447599.7), dbSNP rs868822649, ClinGen allele CA68844526.

ClinVar aggregate classification (germline): Uncertain significance. Review status: criteria provided, multiple submitters, no conflicts (2 of 4 stars). 3 submissions from 3 submitters: Uncertain significance (3). Last evaluated 2024-10-08.

Conditions:
Inborn genetic diseases. Identifiers: MedGen C0950123, MeSH D030342.

Allele frequency attached by ClinVar (database versions not stated): gnomAD exomes below 0.00001 and 0.00001; TOPMed 0.00002; gnomAD 0.00003 and 0.00004.
gnomAD v4.1: 20 of 1,613,468 alleles (0.0012%); highest among the groups gnomAD compares: African/African-American, 0.012%; no homozygotes.

Submissions (3):

Ambry Genetics
Classification: Uncertain significance for Inborn genetic diseases. Last evaluated: 2024-10-08. Review status: criteria provided, single submitter. Criteria: Ambry Variant Classification Scheme 2023. Collection method: clinical testing. Allele origin: germline.

Labcorp Genetics (formerly Invitae), Labcorp
Classification: Uncertain significance. Last evaluated: 2023-06-23. Review status: criteria provided, single submitter. Criteria: Invitae Variant Classification Sherloc (09022015). Collection method: clinical testing. Allele origin: germline.
Comment: In summary, the available evidence is currently insufficient to determine the role of this variant in disease. Therefore, it has been classified as a Variant of Uncertain Significance. Advanced modeling of protein sequence and biophysical properties (such as structural, functional, and spatial information, amino acid conservation, physicochemical variation, residue mobility, and thermodynamic stability) performed at Invitae indicates that this missense variant is not expected to disrupt ITPR1 protein function. ClinVar contains an entry for this variant (Variation ID: 447599). This variant has not been reported in the literature in individuals affected with ITPR1-related conditions. This variant is present in population databases (no rsID available, gnomAD 0.007%). This sequence change replaces glycine, which is neutral and non-polar, with arginine, which is basic and polar, at codon 2447 of the ITPR1 protein (p.Gly2447Arg).

Athena Diagnostics
Classification: Uncertain significance. Last evaluated: 2016-10-20. Review status: criteria provided, single submitter. Criteria: Athena Diagnostics Criteria. Collection method: clinical testing. Allele origin: germline.